The following is an entry in ClinVar:

ClinVar aggregate classification (germline): Likely benign. Review status: criteria provided, multiple submitters, no conflicts (2 of 4 stars). 2 submissions from 2 submitters: Likely benign (2). Last evaluated 2025-11-26.

Conditions:
ADGRV1-related disorder. Also called: ADGRV1-related disorders; ADGRV1-related condition.

Allele frequency attached by ClinVar (database versions not stated): TOPMed below 0.00001; ExAC 0.00001; gnomAD 0.00001; gnomAD exomes 0.00001.
gnomAD v4.1: 15 of 1,588,694 alleles (0.00094%); highest among the groups gnomAD compares: South Asian, 0.0012%; no homozygotes.

Submissions (2):

Labcorp Genetics (formerly Invitae), Labcorp
Classification: Likely benign. Last evaluated: 2025-11-26. Review status: criteria provided, single submitter. Criteria: Invitae Variant Classification Sherloc (09022015). Collection method: clinical testing. Allele origin: germline.

PreventionGenetics, part of Exact Sciences
Classification: Likely benign for ADGRV1-related condition. Last evaluated: 2025-10-28. Review status: criteria provided, single submitter. Criteria: ACMG Guidelines, 2015. Collection method: clinical testing. Allele origin: germline.
Comment: This variant is classified as likely benign based on ACMG/AMP sequence variant interpretation guidelines (Richards et al. 2015 PMID: 25741868, with internal and published modifications).

NM_032119.4(ADGRV1):c.17166T>C (p.Ser5722=)

Gene: ADGRV1 (adhesion G protein-coupled receptor V1; plus strand). Cytogenetic location: 5q14.3.
Variant type: single nucleotide variant.
Coding change: c.17166T>C on transcript NM_032119.4 (MANE Select); coding-DNA position 17166, T replaced by C.
Protein change: p.Ser5722=; no amino-acid change (serine 5722 retained).
Molecular consequence: synonymous variant. On other transcripts: non-coding transcript variant (1).
Genome position (GRCh38, 1-based): chr5:90,848,783, T>C. VCF-style: chr5-90848783-T-C. GRCh37 (hg19) VCF-style: chr5-90144600-T-C.
Other names: c.17166T>C (NM_032119.3).
Identifiers: ClinVar variation 2695999 (VCV002695999.4), dbSNP rs777200914, ClinGen allele CA3342303.